The following is an entry in ClinVar:

ClinVar aggregate classification (germline): Pathogenic. Review status: criteria provided, multiple submitters, no conflicts (2 of 4 stars). 2 submissions from 2 submitters: Pathogenic (2). Last evaluated 2022-11-07.

Conditions:
Long QT syndrome (LQTS). Identifiers: MedGen C0023976, MeSH D008133, MONDO:0002442. Disease mechanism: loss of function. Inheritance: Various modes of inheritance.

Submissions (2):

GeneDx
Classification: Pathogenic. Last evaluated: 2022-11-07. Review status: criteria provided, single submitter. Criteria: GeneDx Variant Classification Process June 2021. Collection method: clinical testing. Allele origin: germline. Affected: yes.
Comment: Frameshift variant predicted to result in protein truncation or nonsense mediated decay in a gene for which loss-of-function is a known mechanism of disease; Not observed at significant frequency in large population cohorts (gnomAD); Has not been previously published as pathogenic or benign to our knowledge

Labcorp Genetics (formerly Invitae), Labcorp
Classification: Pathogenic for Long QT syndrome. Last evaluated: 2022-04-15. Review status: criteria provided, single submitter. Criteria: Invitae Variant Classification Sherloc (09022015). Collection method: clinical testing. Allele origin: germline.
Comment: For these reasons, this variant has been classified as Pathogenic. ClinVar contains an entry for this variant (Variation ID: 200787). This variant has not been reported in the literature in individuals affected with KCNH2-related conditions. This variant is not present in population databases (gnomAD no frequency). This sequence change creates a premature translational stop signal (p.Ala429Leufs*5) in the KCNH2 gene. It is expected to result in an absent or disrupted protein product. Loss-of-function variants in KCNH2 are known to be pathogenic (PMID: 10973849, 19862833).

Literature cited by the submitters: PubMed 10973849 (cited by Labcorp Genetics (formerly Invitae), Labcorp); PubMed 19862833 (cited by Labcorp Genetics (formerly Invitae), Labcorp).

NM_000238.4(KCNH2):c.1285del (p.Ala429fs)

Gene: KCNH2 (potassium voltage-gated channel subfamily H member 2; minus strand). Cytogenetic location: 7q36.1.
Variant type: Deletion.
Coding change: c.1285del on transcript NM_000238.4 (MANE Select); coding-DNA position 1285, one base deleted (G; older notation c.1285delG).
Protein change: p.Ala429fs; shifts the reading frame from alanine 429.
Molecular consequence: frameshift variant.
Genome position (GRCh38, 1-based): chr7:150,952,697, C deleted on the plus strand (G on the coding strand, the reverse complement: KCNH2 is on the minus strand); the first of 2 consecutive C bases (chr7:150,952,697-150,952,698); deleting either gives the same sequence. VCF-style (leftmost placement, unchanged base first): chr7-150952696-GC-G. GRCh37 (hg19) VCF-style: chr7-150649784-GC-G.
Other names: c.1285delG (NM_000238.2); c.265del, p.Ala89fs (NM_001204798.2, NM_172057.3); c.996delG, p.Ala333Leufs (NM_001406753.1, NM_001406756.1); c.1107delG, p.Ala370Leufs (NM_001406755.1); c.984delG, p.Ala329Leufs (NM_001406757.1); c.1284delG, p.Ala429Leufs (NM_172056.3); short protein forms A429fs, A89fs.
Identifiers: ClinVar variation 200787 (VCV000200787.11), dbSNP rs794728498, ClinGen allele CA004413.